The following is an entry in ClinVar:

ClinVar aggregate classification (germline): Likely pathogenic (1 of 4 stars; one submission).

Conditions:
Joubert syndrome. Also called: CEREBELLOPARENCHYMAL DISORDER IV; JOUBERT-BOLTSHAUSER SYNDROME; Familial aplasia of the vermis. Identifiers: Orphanet 475, MedGen C5979921, MONDO:0018772.
Nephronophthisis. Also called: Juvenile Nephronophthisis. Identifiers: Orphanet 655, MedGen C0687120, MONDO:0019005, HP:0000090.
Meckel-Gruber syndrome. Also called: DYSENCEPHALIA SPLANCHNOCYSTICA; GRUBER SYNDROME; Dysencephalia splachnocystica. Identifiers: Orphanet 564, MedGen C0265215, MONDO:0018921.

Submission:

Labcorp Genetics (formerly Invitae), Labcorp
Classification: Likely pathogenic for Joubert syndrome; Meckel-Gruber syndrome; Nephronophthisis. Last evaluated: 2022-07-06. Review status: criteria provided, single submitter. Criteria: Invitae Variant Classification Sherloc (09022015). Collection method: clinical testing. Allele origin: germline.
Comment: In summary, the currently available evidence indicates that the variant is pathogenic, but additional data are needed to prove that conclusively. Therefore, this variant has been classified as Likely Pathogenic. Algorithms developed to predict the effect of sequence changes on RNA splicing suggest that this variant may disrupt the consensus splice site. This variant has not been reported in the literature in individuals affected with CEP290-related conditions. This variant is not present in population databases (gnomAD no frequency). This sequence change affects a donor splice site in intron 21 of the CEP290 gene. It is expected to disrupt RNA splicing. Variants that disrupt the donor or acceptor splice site typically lead to a loss of protein function (PMID: 16199547), and loss-of-function variants in CEP290 are known to be pathogenic (PMID: 16909394, 17345604, 20690115).

Literature cited by the submitters: PubMed 16199547; PubMed 16909394; PubMed 17345604; PubMed 20690115.

NM_025114.4(CEP290):c.2217+1G>T

Gene: CEP290 (centrosomal protein 290; minus strand). Cytogenetic location: 12q21.32.
Variant type: single nucleotide variant.
Coding change: c.2217+1G>T on transcript NM_025114.4 (MANE Select); the canonical splice donor site of the intron after coding-DNA position 2217, G replaced by T.
Molecular consequence: splice donor variant.
Genome position (GRCh38, 1-based): chr12:88,111,693, C>A on the plus strand (G>T on the coding strand, the complement: CEP290 is on the minus strand). VCF-style: chr12-88111693-C-A. GRCh37 (hg19) VCF-style: chr12-88505470-C-A.
Identifiers: ClinVar variation 2180428 (VCV002180428.4), dbSNP rs2500759351, ClinGen allele CA385974765.
Genomic context (GRCh38, chr12:88,111,693, plus strand): 5'-ATTTCCTATTAAATCTACATTCTTATGTTTAGCATTTTCTTTTATTTAATAAAATTCTCA[C>A]CTTTAAATTAGCTTTTGCCAACTGCTGTGAATAATTTATAGCCTCTTTCCGAGATTCCCT-3'